The following is an entry in ClinVar:

NM_017763.6(RNF43):c.1348_1353del (p.Tyr450_Cys451del)

Gene: RNF43 (ring finger protein 43; minus strand). Cytogenetic location: 17q22.
Variant type: Deletion.
Coding change: c.1348_1353del on transcript NM_017763.6 (MANE Select); coding-DNA positions 1348 to 1353, 6 bases deleted (TATTGC; older notation c.1348_1353delTATTGC).
Protein change: p.Tyr450_Cys451del.
Molecular consequence: inframe deletion. On other transcripts: inframe indel (2).
Genome position (GRCh38, 1-based): chr17:58,358,423-58,358,428, GCAATA deleted on the plus strand (TATTGC on the coding strand, the reverse complement: RNF43 is on the minus strand); deleting any 6 consecutive bases within chr17:58,358,423-58,358,430 gives the same sequence; the c. name uses the placement nearest the transcript's 3' end. VCF-style (leftmost placement, unchanged base first): chr17-58358422-TGCAATA-T. GRCh37 (hg19) VCF-style: chr17-56435783-TGCAATA-T.
Other names: c.1346_1351delGCTATT, p.Tyr450_Cys451del (NM_001305544.3); c.965_970delGCTATT, p.Tyr323_Cys324del (NM_001305545.2).
Identifiers: ClinVar variation 1990551 (VCV001990551.4), dbSNP rs2509347480, ClinGen allele CA2580094300.
Genomic context (GRCh38, chr17:58,358,422, plus strand): 5'-GACAGGGCCCTGAGCTGGAGTCACTGGCTGGCCCATCTGCCAGGTACCCACTGCGTTCTG[TGCAATA>T]GCTTTCTCCAGATCCACTGCTGTCAGGGGGCCTGGCCCGGCGTAGGGGCACTGGGCAAGC-3'

ClinVar aggregate classification (germline): Uncertain significance (1 of 4 stars; one submission).

Submission:

Labcorp Genetics (formerly Invitae), Labcorp
Classification: Uncertain significance. Last evaluated: 2022-09-07. Review status: criteria provided, single submitter. Criteria: Invitae Variant Classification Sherloc (09022015). Collection method: clinical testing. Allele origin: germline.
Comment: In summary, the available evidence is currently insufficient to determine the role of this variant in disease. Therefore, it has been classified as a Variant of Uncertain Significance. Experimental studies and prediction algorithms are not available or were not evaluated, and the functional significance of this variant is currently unknown. This variant has not been reported in the literature in individuals affected with RNF43-related conditions. This variant is not present in population databases (gnomAD no frequency). This variant, c.1348_1353del, results in the deletion of 2 amino acid(s) of the RNF43 protein (p.Tyr450_Cys451del), but otherwise preserves the integrity of the reading frame.